The following is an entry in ClinVar:

ClinVar aggregate classification (germline): Pathogenic (1 of 4 stars; one submission).

Conditions:
LAMA2-related muscular dystrophy (LAMA2-RD). Also called: Laminin alpha 2-related dystrophy. Identifiers: MedGen C5679788, MONDO:0100228.

Submission:

Labcorp Genetics (formerly Invitae), Labcorp
Classification: Pathogenic for LAMA2-related muscular dystrophy. Last evaluated: 2022-08-23. Review status: criteria provided, single submitter. Criteria: Invitae Variant Classification Sherloc (09022015). Collection method: clinical testing. Allele origin: germline.
Comment: This variant results in the deletion of part of exon 36 (c.5072-1454_5154delinsAGATTGCC) of the LAMA2 gene. It is expected to disrupt RNA splicing. Variants that disrupt the donor or acceptor splice site typically lead to a loss of protein function (PMID: 16199547), and loss-of-function variants in LAMA2 are known to be pathogenic (PMID: 18700894, 32904964). For these reasons, this variant has been classified as Pathogenic. This variant has been observed in individuals with LAMA2-related conditions (PMID: 30055037; Invitae).

Literature cited by the submitters: PubMed 16199547; PubMed 18700894; PubMed 32904964; PubMed 30055037.

NC_000006.12:g.(?_129390037)_(129391573_?)del

Gene: LAMA2 (laminin subunit alpha 2; plus strand). Cytogenetic location: 6q22.33.
Variant type: Deletion.
Identifiers: ClinVar variation 477434 (VCV000477434.4).